The following is an entry in ClinVar:

ClinVar aggregate classification (germline): Benign (1 of 4 stars; one submission).

Allele frequency attached by ClinVar (database versions not stated): TOPMed 0.00017; gnomAD 0.00023; gnomAD exomes 0.00025; 1000 Genomes Project 0.00040; 1000 Genomes Project 30x 0.00078.
gnomAD v4.1: 93 of 398,290 alleles (0.023%); highest among the groups gnomAD compares: South Asian, 0.1%; no homozygotes.

Submission:

CeGaT Center for Human Genetics Tuebingen
Classification: Benign. Last evaluated: 2026-07-01. Review status: criteria provided, single submitter. Criteria: CeGaT Center For Human Genetics Tuebingen Variant Classification Criteria Version 2. Collection method: clinical testing. Allele origin: germline. Affected: yes. Observed: 7 variant alleles.
Comment: KCNQ1OT1: BS1, BS2

NM_000218.3(KCNQ1):c.1394-18545G>A

Genes: KCNQ1 (potassium voltage-gated channel subfamily Q member 1; plus strand), KCNQ1OT1 (KCNQ1 opposite strand/antisense transcript 1; minus strand). Cytogenetic location: 11p15.5.
Variant type: single nucleotide variant.
Coding change: c.1394-18545G>A on transcript NM_000218.3 (MANE Select); 18545 bases into the intron before coding-DNA position 1394, G replaced by A.
Molecular consequence: intron variant.
Genome position (GRCh38, 1-based): chr11:2,643,416, G>A. VCF-style: chr11-2643416-G-A. GRCh37 (hg19) VCF-style: chr11-2664646-G-A.
Other names: c.1124-18545G>A (NM_001406837.1); c.1298-18545G>A (NM_001406836.1); c.854-18545G>A (NM_001406838.1); c.1013-18545G>A (NM_181798.2).
Identifiers: ClinVar variation 2582887 (VCV002582887.25), dbSNP rs546017135, ClinGen allele CA216156184.